The following is an entry in ClinVar:

ClinVar aggregate classification (germline): Uncertain significance (1 of 4 stars; one submission).

Conditions:
Early-infantile DEE. Also called: Early infantile epileptic encephalopathy; Ohtahara syndrome; Early infantile epileptic encephalopathy with suppression bursts. Identifiers: Orphanet 1934, MedGen C0393706, MONDO:0800491.

gnomAD v4.1: 4 of 1,614,010 alleles (0.00025%); highest among the groups gnomAD compares: Admixed American, 0.0033%; no homozygotes.

Submission:

Labcorp Genetics (formerly Invitae), Labcorp
Classification: Uncertain significance for Early-infantile DEE. Last evaluated: 2025-11-19. Review status: criteria provided, single submitter. Criteria: Invitae Variant Classification Sherloc (09022015). Collection method: clinical testing. Allele origin: germline.
Comment: This sequence change replaces serine, which is neutral and polar, with glycine, which is neutral and non-polar, at codon 1267 of the SPTAN1 protein (p.Ser1267Gly). This variant is present in population databases (rs777912157, gnomAD 0.003%). This variant has not been reported in the literature in individuals affected with SPTAN1-related conditions. Invitae Evidence Modeling of protein sequence and biophysical properties (such as structural, functional, and spatial information, amino acid conservation, physicochemical variation, residue mobility, and thermodynamic stability) has been performed for this missense variant. However, the output from this modeling did not meet the statistical confidence thresholds required to predict the impact of this variant on SPTAN1 protein function. In summary, the available evidence is currently insufficient to determine the role of this variant in disease. Therefore, it has been classified as a Variant of Uncertain Significance.

NM_001130438.3(SPTAN1):c.3799A>G (p.Ser1267Gly)

Gene: SPTAN1 (spectrin alpha, non-erythrocytic 1; plus strand). Cytogenetic location: 9q34.11.
Variant type: single nucleotide variant.
Coding change: c.3799A>G on transcript NM_001130438.3 (MANE Select); coding-DNA position 3799, A replaced by G.
Protein change: p.Ser1267Gly; replaces serine 1267 with glycine.
Molecular consequence: missense variant.
Genome position (GRCh38, 1-based): chr9:128,605,113, A>G. VCF-style: chr9-128605113-A-G. GRCh37 (hg19) VCF-style: chr9-131367392-A-G.
Other names: c.3739A>G, p.Ser1247Gly (NM_001195532.2, NM_001363765.2, NM_001375314.2 and 3 more transcripts); c.3799A>G, p.Ser1267Gly (NM_001363759.2, NM_001375310.1, NM_001375311.2 and 4 more transcripts); c.3835A>G, p.Ser1279Gly (NM_001375312.2, NM_001375318.1, NM_001438440.1); short protein forms S1247G, S1267G, S1279G.
Identifiers: ClinVar variation 4693895 (VCV004693895.1).